The following is an entry in ClinVar:

ClinVar aggregate classification (germline): Uncertain significance. Review status: criteria provided, multiple submitters, no conflicts (2 of 4 stars). 4 submissions from 4 submitters: Uncertain significance (4). Last evaluated 2025-10-05.

Conditions:
BEST1-related disorder. Also called: BEST1-related condition; BEST1-related disorders. Identifiers: MedGen CN239200.

Allele frequency attached by ClinVar (database versions not stated): gnomAD exomes 0.00004 and 0.00002; ExAC 0.00006; gnomAD 0.00011; ESP Exome Variant Server 0.00015; 1000 Genomes Project 30x 0.00016; TOPMed 0.00018; 1000 Genomes Project 0.00020.
gnomAD v4.1: 43 of 1,609,646 alleles (0.0027%); highest among the groups gnomAD compares: African/African-American, 0.047%; no homozygotes.

Submissions (4):

Labcorp Genetics (formerly Invitae), Labcorp
Classification: Uncertain significance. Last evaluated: 2025-10-05. Review status: criteria provided, single submitter. Criteria: Invitae Variant Classification Sherloc (09022015). Collection method: clinical testing. Allele origin: germline.
Comment: This sequence change replaces methionine, which is neutral and non-polar, with isoleucine, which is neutral and non-polar, at codon 360 of the BEST1 protein (p.Met360Ile). This variant is present in population databases (rs145212203, gnomAD 0.05%). This missense change has been observed in individuals with clinical features of autosomal dominant BEST1-related conditions (internal data). ClinVar contains an entry for this variant (Variation ID: 1043291). Invitae Evidence Modeling of protein sequence and biophysical properties (such as structural, functional, and spatial information, amino acid conservation, physicochemical variation, residue mobility, and thermodynamic stability) has been performed for this missense variant. However, the output from this modeling did not meet the statistical confidence thresholds required to predict the impact of this variant on BEST1 protein function. In summary, the available evidence is currently insufficient to determine the role of this variant in disease. Therefore, it has been classified as a Variant of Uncertain Significance.

Revvity Omics, Revvity
Classification: Uncertain significance. Last evaluated: 2025-02-05. Review status: criteria provided, single submitter. Criteria: ACMG Guidelines, 2015. Collection method: clinical testing. Allele origin: germline.

PreventionGenetics, part of Exact Sciences
Classification: Uncertain significance for BEST1-related condition. Last evaluated: 2024-11-06. Review status: criteria provided, single submitter. Criteria: ACMG Guidelines, 2015. Collection method: clinical testing. Allele origin: germline.
Comment: The BEST1 c.1283G>A variant is predicted to result in premature protein termination (p.Trp428*). In the primary transcript for this gene (NM_004183.4:c.1080G>A), this variant is predict to result in a missense variant, p.(Met360Ile). To our knowledge, this variant has not been reported in the literature. This variant is reported in 0.058% of alleles in individuals of African descent in gnomAD. At this time, the clinical significance of this variant is uncertain due to the absence of conclusive functional and genetic evidence.

Blueprint Genetics
Classification: Uncertain significance. Last evaluated: 2024-06-25. Review status: criteria provided, single submitter. Criteria: ACMG Guidelines, 2015. Collection method: clinical testing. Allele origin: germline.

NM_004183.4(BEST1):c.1080G>A (p.Met360Ile)

Gene: BEST1 (bestrophin 1; plus strand). Cytogenetic location: 11q12.3.
Variant type: single nucleotide variant.
Coding change: c.1080G>A on transcript NM_004183.4 (MANE Select); coding-DNA position 1080, G replaced by A.
Protein change: p.Met360Ile; replaces methionine 360 with isoleucine.
Molecular consequence: missense variant. On other transcripts: nonsense (1), non-coding transcript variant (1).
Genome position (GRCh38, 1-based): chr11:61,960,023, G>A. VCF-style: chr11-61960023-G-A. GRCh37 (hg19) VCF-style: chr11-61727495-G-A.
Other names: c.900G>A, p.Met300Ile (NM_001139443.3, NM_001300787.2); c.819G>A, p.Met273Ile (NM_001300786.2); c.762G>A, p.Met254Ile (NM_001363591.3); c.1283G>A, p.Trp428Ter (NM_001363592.2); c.108G>A, p.Met36Ile (NM_001363593.3); short protein forms M273I, W428*, M300I, M360I, M254I, M36I.
Identifiers: ClinVar variation 1043291 (VCV001043291.13), dbSNP rs145212203, ClinGen allele CA6040981.